The following is an entry in ClinVar:

ClinVar aggregate classification (germline): Uncertain significance (1 of 4 stars; one submission).

Allele frequency attached by ClinVar (database versions not stated): gnomAD exomes below 0.00001; TOPMed 0.00002.

Submission:

Labcorp Genetics (formerly Invitae), Labcorp
Classification: Uncertain significance. Last evaluated: 2022-07-12. Review status: criteria provided, single submitter. Criteria: Invitae Variant Classification Sherloc (09022015). Collection method: clinical testing. Allele origin: germline.
Comment: This sequence change replaces leucine, which is neutral and non-polar, with proline, which is neutral and non-polar, at codon 347 of the MYO7A protein (p.Leu347Pro). This variant is not present in population databases (gnomAD no frequency). This variant has not been reported in the literature in individuals affected with MYO7A-related conditions. ClinVar contains an entry for this variant (Variation ID: 938289). Advanced modeling of protein sequence and biophysical properties (such as structural, functional, and spatial information, amino acid conservation, physicochemical variation, residue mobility, and thermodynamic stability) performed at Invitae indicates that this missense variant is not expected to disrupt MYO7A protein function. In summary, the available evidence is currently insufficient to determine the role of this variant in disease. Therefore, it has been classified as a Variant of Uncertain Significance.

NM_000260.4(MYO7A):c.1040T>C (p.Leu347Pro)

Gene: MYO7A (myosin VIIA; plus strand). Cytogenetic location: 11q13.5.
Variant type: single nucleotide variant.
Coding change: c.1040T>C on transcript NM_000260.4 (MANE Select); coding-DNA position 1040, T replaced by C.
Protein change: p.Leu347Pro; replaces leucine 347 with proline.
Molecular consequence: missense variant.
Genome position (GRCh38, 1-based): chr11:77,159,483, T>C. VCF-style: chr11-77159483-T-C. GRCh37 (hg19) VCF-style: chr11-76870529-T-C.
Other names: c.1040T>C, p.Leu347Pro (NM_001127180.2); c.1007T>C, p.Leu336Pro (NM_001369365.1); short protein forms L336P, L347P.
Identifiers: ClinVar variation 938289 (VCV000938289.9), dbSNP rs1172092589, ClinGen allele CA381933944.
Genomic context (GRCh38, chr11:77,159,483, plus strand): 5'-TGCTGTGCCCCTTGCTGCCAACAGCACGCACATTTGAAAACCTGGATGCCTGTGAGGTTC[T>C]CTTCTCCCCATCGCTGGCCACAGCTGCATCCCTGCTTGAGGTCAGTGCCTGGCCTCTCTC-3'
Protein context (NP_000251.3, residues 337-357): TFENLDACEV[Leu347Pro]FSPSLATAAS